The following is an entry in ClinVar:

NM_033337.3(CAV3):c.168C>T (p.Gly56=)

Genes: CAV3 (caveolin 3; plus strand), OXTR (oxytocin receptor; minus strand). Cytogenetic location: 3p25.3.
Variant type: single nucleotide variant.
Coding change: c.168C>T on transcript NM_033337.3 (MANE Select); coding-DNA position 168, C replaced by T.
Protein change: p.Gly56=; no amino-acid change (glycine 56 retained).
Molecular consequence: synonymous variant.
Genome position (GRCh38, 1-based): chr3:8,745,579, C>T. VCF-style: chr3-8745579-C-T. GRCh37 (hg19) VCF-style: chr3-8787265-C-T.
Other names: c.168C>T, p.Gly56= (NM_001234.5).
Identifiers: ClinVar variation 162828 (VCV000162828.18), dbSNP rs116840774, ClinGen allele CA175390.

ClinVar aggregate classification (germline): Benign/Likely benign. Review status: criteria provided, multiple submitters, no conflicts (2 of 4 stars). 7 submissions from 7 submitters: Benign (3); Likely benign (2). 2 of the submissions do not count toward it. Last evaluated 2025-07-14.

Conditions:
Cardiovascular phenotype. Identifiers: MedGen CN230736.
Long QT syndrome (LQTS). Identifiers: MedGen C0023976, MeSH D008133, MONDO:0002442. Disease mechanism: loss of function. Inheritance: Various modes of inheritance.

Allele frequency attached by ClinVar (database versions not stated): gnomAD 0.00010; gnomAD exomes 0.00011; TOPMed 0.00014; ExAC 0.00015.
gnomAD v4.1: 77 of 1,613,966 alleles (0.0048%); highest among the groups gnomAD compares: East Asian, 0.098%; no homozygotes.

Submissions (7):

Labcorp Genetics (formerly Invitae), Labcorp
Classification: Benign for Long QT syndrome. Last evaluated: 2025-07-14. Review status: criteria provided, single submitter. Criteria: Invitae Variant Classification Sherloc (09022015). Collection method: clinical testing. Allele origin: germline.

Women's Health and Genetics/Laboratory Corporation of America, LabCorp
Classification: Benign. Last evaluated: 2023-05-22. Review status: criteria provided, single submitter. Criteria: LabCorp Variant Classification Summary - May 2015. Collection method: clinical testing. Allele origin: germline.

Ambry Genetics
Classification: Likely benign for Cardiovascular phenotype. Last evaluated: 2020-07-23. Review status: criteria provided, single submitter. Criteria: Ambry Variant Classification Scheme 2023. Collection method: clinical testing. Allele origin: germline.

GeneDx
Classification: Benign. Last evaluated: 2015-03-16. Review status: criteria provided, single submitter. Criteria: GeneDx Variant Classification (06012015). Collection method: clinical testing. Allele origin: germline. Affected: yes.
Comment: This variant is considered likely benign or benign based on one or more of the following criteria: it is a conservative change, it occurs at a poorly conserved position in the protein, it is predicted to be benign by multiple in silico algorithms, and/or has population frequency not consistent with disease.

Laboratory for Molecular Medicine, Mass General Brigham Personalized Medicine
Classification: Likely benign. Last evaluated: 2014-03-13. Review status: criteria provided, single submitter. Criteria: LMM Criteria. Collection method: clinical testing. Allele origin: germline. Observed: 1 variant allele.
Comment: Gly56Gly in exon 2 of CAV3: This variant is not expected to have clinical signif icance because it does not alter an amino acid residue and is not located within the splice consensus sequence.

Clinical Genetics DNA and cytogenetics Diagnostics Lab, Erasmus MC, Erasmus Medical Center
Classification: Likely benign. Review status: no assertion criteria provided. Collection method: clinical testing. Allele origin: germline. Affected: yes. Study: VKGL Data-share Consensus. Not counted in ClinVar's aggregate classification.

Genome Diagnostics Laboratory, University Medical Center Utrecht
Classification: Likely benign. Review status: no assertion criteria provided. Collection method: clinical testing. Allele origin: germline. Affected: yes. Study: VKGL Data-share Consensus. Not counted in ClinVar's aggregate classification.